The following is an entry in ClinVar:

NM_004370.6(COL12A1):c.6640C>G (p.Gln2214Glu)

Gene: COL12A1 (collagen type XII alpha 1 chain; minus strand). Cytogenetic location: 6q13.
Variant type: single nucleotide variant.
Coding change: c.6640C>G on transcript NM_004370.6 (MANE Select); coding-DNA position 6640, C replaced by G.
Protein change: p.Gln2214Glu; replaces glutamine 2214 with glutamic acid.
Molecular consequence: missense variant.
Genome position (GRCh38, 1-based): chr6:75,124,339, G>C on the plus strand (C>G on the coding strand, the complement: COL12A1 is on the minus strand). VCF-style: chr6-75124339-G-C. GRCh37 (hg19) VCF-style: chr6-75834055-G-C.
Other names: c.3148C>G, p.Gln1050Glu (NM_080645.3); short protein forms Q1050E, Q2214E.
Identifiers: ClinVar variation 966737 (VCV000966737.10), dbSNP rs773548520, ClinGen allele CA3892759.
Genomic context (GRCh38, chr6:75,124,339, plus strand): 5'-TGTAGGAGGTGGCTGCCCGGTGAGGTGACCATTTGACACAGAATGTATCCCACCCAATCT[G>C]GTAAGTTTTCAGATCTGTTACATTTAAATATACTACAAAATAAAGAAAGAAAGAGATTTA-3'
Protein context (NP_004361.3, residues 2204-2224): YLNVTDLKTY[Gln2214Glu]IGWDTFCVKW

ClinVar aggregate classification (germline): Uncertain significance (1 of 4 stars; one submission).

Conditions:
Ullrich congenital muscular dystrophy 2 (UCMD2). Identifiers: Orphanet 75840, MedGen C4225314, MONDO:0014654, OMIM 616470.
Bethlem myopathy 2 (BTHLM2). Identifiers: Orphanet 536516, Orphanet 610, MedGen C4225313, MONDO:0034022, OMIM 616471.

Allele frequency attached by ClinVar (database versions not stated): ExAC below 0.00001.

Submission:

Labcorp Genetics (formerly Invitae), Labcorp
Classification: Uncertain significance for Bethlem myopathy 2; Ullrich congenital muscular dystrophy 2. Last evaluated: 2019-10-14. Review status: criteria provided, single submitter. Criteria: Invitae Variant Classification Sherloc (09022015). Collection method: clinical testing. Allele origin: germline.
Comment: This variant has not been reported in the literature in individuals with COL12A1-related conditions. This sequence change replaces glutamine with glutamic acid at codon 2214 of the COL12A1 protein (p.Gln2214Glu). The glutamine residue is moderately conserved and there is a small physicochemical difference between glutamine and glutamic acid. The frequency data for this variant in the population databases is considered unreliable, as metrics indicate poor data quality at this position in the ExAC database. Algorithms developed to predict the effect of missense changes on protein structure and function are either unavailable or do not agree on the potential impact of this missense change (SIFT: "Deleterious"; PolyPhen-2: "Benign"; Align-GVGD: "Class C0"). In summary, the available evidence is currently insufficient to determine the role of this variant in disease. Therefore, it has been classified as a Variant of Uncertain Significance.